The following is an entry in ClinVar:

NM_003742.4(ABCB11):c.1145C>A (p.Ala382Asp)

Gene: ABCB11 (ATP binding cassette subfamily B member 11; minus strand). Cytogenetic location: 2q31.1.
Variant type: single nucleotide variant.
Coding change: c.1145C>A on transcript NM_003742.4 (MANE Select); coding-DNA position 1145, C replaced by A.
Protein change: p.Ala382Asp; replaces alanine 382 with aspartic acid.
Molecular consequence: missense variant.
Genome position (GRCh38, 1-based): chr2:168,979,918, G>T on the plus strand (C>A on the coding strand, the complement: ABCB11 is on the minus strand). VCF-style: chr2-168979918-G-T. GRCh37 (hg19) VCF-style: chr2-169836428-G-T.
Other names: short protein forms A382D.
Identifiers: ClinVar variation 4990105 (VCV004990105.1).

ClinVar aggregate classification (germline): Uncertain significance (1 of 4 stars; one submission).

Conditions:
ABCB11-related disorder. Also called: ABCB11-related condition.

gnomAD v4.1: 2 of 1,611,590 alleles (0.00012%); highest among the groups gnomAD compares: Non-Finnish European, 0.00017%; no homozygotes.

Submission:

PreventionGenetics, part of Exact Sciences
Classification: Uncertain significance for ABCB11-related condition. Last evaluated: 2026-03-10. Review status: criteria provided, single submitter. Criteria: ACMG Guidelines, 2015. Collection method: clinical testing. Allele origin: germline.
Comment: The ABCB11 c.1145C>A variant is predicted to result in the amino acid substitution p.Ala382Asp. To our knowledge, this variant has not been reported in the literature or in a large population database (gnomAD), indicating this variant is rare. At this time, the clinical significance of this variant is uncertain due to the absence of conclusive functional and genetic evidence.